The following is an entry in ClinVar:

NM_003239.5(TGFB3):c.*9G>A

Gene: TGFB3 (transforming growth factor beta 3; minus strand). Cytogenetic location: 14q24.3.
Variant type: single nucleotide variant.
Coding change: c.*9G>A on transcript NM_003239.5 (MANE Select); 9 bases downstream of the stop codon, G replaced by A.
Molecular consequence: 3 prime UTR variant.
Genome position (GRCh38, 1-based): chr14:75,959,178, C>T on the plus strand (G>A on the coding strand, the complement: TGFB3 is on the minus strand). VCF-style: chr14-75959178-C-T. GRCh37 (hg19) VCF-style: chr14-76425521-C-T.
Other names: c.*9G>A (NM_001329939.2).
Identifiers: ClinVar variation 386379 (VCV000386379.6), dbSNP rs4252346, ClinGen allele CA7280241.

ClinVar aggregate classification (germline): Benign/Likely benign. Review status: criteria provided, multiple submitters, no conflicts (2 of 4 stars). 5 submissions from 5 submitters: Benign (2); Likely benign (3). Last evaluated 2026-03-27.

Conditions:
Familial thoracic aortic aneurysm and aortic dissection (TAAD). Also called: Thoracic aortic aneurysms and dissections. Identifiers: Orphanet 91387, MedGen C4707243, MONDO:0019625.

Allele frequency attached by ClinVar (database versions not stated): TOPMed 0.00720; gnomAD exomes 0.00056 and 0.00146; ExAC 0.00179; 1000 Genomes Project 0.00539; ESP Exome Variant Server 0.00515; gnomAD 0.00635 and 0.00679; 1000 Genomes Project 30x 0.00640.
gnomAD v4.1: 1,812 of 1,614,088 alleles (0.11%); highest among the groups gnomAD compares: African/African-American, 2.1%; 18 homozygotes.

Submissions (5):

Molecular Diagnostic Laboratory for Inherited Cardiovascular Disease, Montreal Heart Institute
Classification: Likely benign. Last evaluated: 2026-03-27. Review status: criteria provided, single submitter. Criteria: ACMG Guidelines, 2015. Collection method: clinical testing. Allele origin: germline. Affected: no.
Comment: BS1

Mayo Clinic Laboratories, Mayo Clinic
Classification: Benign. Last evaluated: 2023-03-16. Review status: criteria provided, single submitter. Criteria: ACMG Guidelines, 2015. Collection method: clinical testing. Allele origin: germline. Observed: 5 variant alleles.
Comment: BS1, BS2

CHEO Genetics Diagnostic Laboratory, Children's Hospital of Eastern Ontario
Classification: Likely benign for Familial thoracic aortic aneurysm and aortic dissection. Last evaluated: 2017-02-07. Review status: criteria provided, single submitter. Criteria: ACMG Guidelines, 2015. Collection method: clinical testing. Allele origin: germline. Study: Canadian Open Genetics Repository.

GeneDx
Classification: Benign. Last evaluated: 2016-10-06. Review status: criteria provided, single submitter. Criteria: GeneDx Variant Classification (06012015). Collection method: clinical testing. Allele origin: germline. Affected: yes.
Comment: This variant is considered likely benign or benign based on one or more of the following criteria: it is a conservative change, it occurs at a poorly conserved position in the protein, it is predicted to be benign by multiple in silico algorithms, and/or has population frequency not consistent with disease.

Breakthrough Genomics
Classification: Likely benign. Review status: criteria provided, single submitter. Criteria: ACMG Guidelines, 2015. Collection method: not provided. Allele origin: germline. Inheritance: Autosomal dominant inheritance. Affected: yes.